The following is an entry in ClinVar:

NM_018249.6(CDK5RAP2):c.2836C>T (p.Arg946Trp)

Gene: CDK5RAP2 (CDK5 regulatory subunit associated protein 2; minus strand). Cytogenetic location: 9q33.2.
Variant type: single nucleotide variant.
Coding change: c.2836C>T on transcript NM_018249.6 (MANE Select); coding-DNA position 2836, C replaced by T.
Protein change: p.Arg946Trp; replaces arginine 946 with tryptophan.
Molecular consequence: missense variant. On other transcripts: non-coding transcript variant (5).
Genome position (GRCh38, 1-based): chr9:120,448,084, G>A on the plus strand (C>T on the coding strand, the complement: CDK5RAP2 is on the minus strand). VCF-style: chr9-120448084-G-A. GRCh37 (hg19) VCF-style: chr9-123210362-G-A.
Other names: c.2836C>T, p.Arg946Trp (NM_001011649.3); c.2146C>T, p.Arg716Trp (NM_001272039.2); c.2737C>T, p.Arg913Trp (NM_001410992.1); c.2740C>T, p.Arg914Trp (NM_001410993.1); c.2833C>T, p.Arg945Trp (NM_001410994.1); c.2836C>T (NM_018249.4); short protein forms R716W, R945W, R914W, R946W, R913W.
Identifiers: ClinVar variation 2074859 (VCV002074859.5), dbSNP rs746903524, ClinGen allele CA5213974.
Genomic context (GRCh38, chr9:120,448,084, plus strand): 5'-TCTGCAGCTGCGTCACCACCTCCTGGGTGGCAGGGAGACGATACATATTTCCTAATGACC[G>A]GGATGGTTTTATTAGGATTGGCAAGCGGGACTTCTTAGCCTCCTGAAAACACACATATGC-3'
Protein context (NP_060719.4, residues 936-956): SRLPILIKPS[Arg946Trp]SLGNMYRLPA

ClinVar aggregate classification (germline): Uncertain significance. Review status: criteria provided, multiple submitters, no conflicts (2 of 4 stars). 2 submissions from 2 submitters: Uncertain significance (2). Last evaluated 2025-03-07.

Conditions:
Inborn genetic diseases. Identifiers: MedGen C0950123, MeSH D030342.

Allele frequency attached by ClinVar (database versions not stated): ExAC 0.00002; TOPMed 0.00001.
gnomAD v4.1: 53 of 1,614,126 alleles (0.0033%); highest among the groups gnomAD compares: Middle Eastern, 0.05%; no homozygotes.

Submissions (2):

Ambry Genetics
Classification: Uncertain significance for Inborn genetic diseases. Last evaluated: 2025-03-07. Review status: criteria provided, single submitter. Criteria: Ambry Variant Classification Scheme 2023. Collection method: clinical testing. Allele origin: germline.

Labcorp Genetics (formerly Invitae), Labcorp
Classification: Uncertain significance. Last evaluated: 2022-03-11. Review status: criteria provided, single submitter. Criteria: Invitae Variant Classification Sherloc (09022015). Collection method: clinical testing. Allele origin: germline.
Comment: This variant is present in population databases (rs746903524, gnomAD 0.01%). This sequence change replaces arginine, which is basic and polar, with tryptophan, which is neutral and slightly polar, at codon 946 of the CDK5RAP2 protein (p.Arg946Trp). This variant has not been reported in the literature in individuals affected with CDK5RAP2-related conditions. Algorithms developed to predict the effect of missense changes on protein structure and function are either unavailable or do not agree on the potential impact of this missense change (SIFT: "Deleterious"; PolyPhen-2: "Benign"; Align-GVGD: "Class C0"). In summary, the available evidence is currently insufficient to determine the role of this variant in disease. Therefore, it has been classified as a Variant of Uncertain Significance.